The following is an entry in ClinVar:

ClinVar aggregate classification (germline): Conflicting classifications of pathogenicity. Review status: criteria provided, conflicting classifications (1 of 4 stars). 4 submissions from 4 submitters: Uncertain significance (2); Likely benign (1). 1 of the submissions does not count toward it. Last evaluated 2026-09-01.

Conditions:
RYR1-related disorder. Also called: RYR1-related condition; RYR1-related disorders. Identifiers: MedGen CN239331.
King Denborough syndrome (KDS). Identifiers: MedGen C1840365, MONDO:0020485, OMIM 619542.
Congenital multicore myopathy with external ophthalmoplegia (CMYO1B). Also called: Congenital myopathy 1B, autosomal recessive; Minicore myopathy; MULTIMINICORE DISEASE WITH EXTERNAL OPHTHALMOPLEGIA; MULTICORE MYOPATHY; Minicore myopathy with external ophthalmoplegia. Identifiers: Orphanet 598, Orphanet 98905, MedGen C1850674, MONDO:0009712, OMIM 255320, HP:0003789.
Malignant hyperthermia, susceptibility to, 1 (MHS1). Also called: RYR1-Related Malignant Hyperthermia Susceptibility; Anesthesia related hyperthermia; Malignant hyperpyrexia; Fulminating hyperpyrexia; Pharmacogenic myopathy; Malignant hyperthermia suceptibility 1. Identifiers: Orphanet 423, MedGen C2930980, MONDO:0007783, OMIM 145600.
Central core myopathy (CMYO1A). Also called: CONGENITAL MYOPATHY 1A, AUTOSOMAL DOMINANT, WITH SUSCEPTIBILITY TO MALIGNANT HYPERTHERMIA; Central core disease; Myopathy, central fibrillar. Identifiers: Orphanet 597, MedGen C5830701, MONDO:0007294, OMIM 117000.

Submissions (4):

CeGaT Center for Human Genetics Tuebingen
Classification: Likely benign. Last evaluated: 2026-09-01. Review status: criteria provided, single submitter. Criteria: CeGaT Center For Human Genetics Tuebingen Variant Classification Criteria Version 2. Collection method: clinical testing. Allele origin: germline. Affected: yes. Observed: 7 variant alleles.
Comment: RYR1: PM4, BS2

Department of Pathology and Laboratory Medicine, Sinai Health System
Classification: Uncertain significance for Central core myopathy; Malignant hyperthermia, susceptibility to, 1; Congenital multicore myopathy with external ophthalmoplegia; King Denborough syndrome. Last evaluated: 2021-12-08. Review status: criteria provided, single submitter. Criteria: ACMG Guidelines, 2015. Collection method: research. Allele origin: germline.

Eurofins Ntd Llc (ga)
Classification: Uncertain significance. Last evaluated: 2016-01-11. Review status: criteria provided, single submitter. Criteria: EGL Classification Definitions 2015. Collection method: clinical testing. Allele origin: germline. Observed: 1 variant allele, 1 heterozygote.

PreventionGenetics, part of Exact Sciences
Classification: Likely benign for RYR1-related condition. Last evaluated: 2023-08-06. Review status: no assertion criteria provided. Collection method: clinical testing. Allele origin: germline. Not counted in ClinVar's aggregate classification.
Comment: This variant is classified as likely benign based on ACMG/AMP sequence variant interpretation guidelines (Richards et al. 2015 PMID: 25741868, with internal and published modifications).

NM_000540.3(RYR1):c.12852CACGGCGGC[1] (p.4285TAA[1])

Gene: RYR1 (ryanodine receptor 1; plus strand). Cytogenetic location: 19q13.2.
Variant type: Microsatellite.
Coding change: c.12852CACGGCGGC[1] on transcript NM_000540.3 (MANE Select); one copy of the 9-base unit CACGGCGGC starting at c.12852; the reference has two copies in a row; one copy, 9 bases deleted.
Protein change: p.4285TAA[1].
Molecular consequence: inframe deletion.
Genome position (GRCh38, 1-based): chr19:38,565,195-38,565,203, CACGGCGGC deleted; deleting any 9 consecutive bases within chr19:38,565,186-38,565,203 gives the same sequence; the position shown is the placement nearest the transcript's 3' end. VCF-style (leftmost placement, unchanged base first): chr19-38565185-GCACGGCGGC-G. GRCh37 (hg19) VCF-style: chr19-39055825-GCACGGCGGC-G.
Other names: LRG_766:g.136487_136495CACGGCGGC[1]; c.12861_12869del9 (NM_000540.2); c.12837CACGGCGGC[1], p.4280TAA[1] (NM_001042723.2).
Identifiers: ClinVar variation 285661 (VCV000285661.50), dbSNP rs398123469, ClinGen allele CA080772.